The following is an entry in ClinVar:

NM_001164277.2(SLC37A4):c.980_981delinsG (p.Pro327fs)

Gene: SLC37A4 (solute carrier family 37 member 4; minus strand). Cytogenetic location: 11q23.3.
Variant type: Indel.
Coding change: c.980_981delinsG on transcript NM_001164277.2 (MANE Select); coding-DNA positions 980 to 981, CC replaced by G.
Protein change: p.Pro327fs; shifts the reading frame from proline 327.
Molecular consequence: frameshift variant.
Genome position (GRCh38, 1-based): chr11:119,025,970-119,025,971, GG replaced by C on the plus strand (CC replaced by G on the coding strand, the reverse complement: SLC37A4 is on the minus strand). VCF-style: chr11-119025970-GG-C. GRCh37 (hg19) VCF-style: chr11-118896680-GG-C.
Other names: c.980_981delinsG, p.Pro327fs (NM_001164278.2, NM_001164280.2, NM_001467.6); c.761_762delinsG, p.Pro254fs (NM_001164279.2); short protein forms P254fs, P327fs.
Identifiers: ClinVar variation 4279891 (VCV004279891.1).

ClinVar aggregate classification (germline): Likely pathogenic (1 of 4 stars; one submission).

Conditions:
Phosphate transport defect (GSD1C). Also called: GSD Ic; GLYCOGEN STORAGE DISEASE Ic. Identifiers: Orphanet 364, Orphanet 79259, MedGen C0342749, OMIM 232240.
Congenital disorder of glycosylation, type IIw. Identifiers: MedGen C5561986, MONDO:0030437, OMIM 619525.
Glucose-6-phosphate transport defect (GSD1B). Also called: Glycogen Storage Disease Type Ib; GSD Ib. Identifiers: Orphanet 364, Orphanet 79259, MedGen C0268146, MONDO:0009288, OMIM 232220.

Submission:

Clinical Genomics Laboratory, Washington University in St. Louis
Classification: Likely pathogenic for Phosphate transport defect; Glucose-6-phosphate transport defect; Congenital disorder of glycosylation, type IIw. Last evaluated: 2025-08-15. Review status: criteria provided, single submitter. Criteria: ACMG Guidelines, 2015. Collection method: clinical testing. Allele origin: germline. Affected: yes.
Comment: The SLC37A4 c.980_981delinsG (p.Pro327Argfs*26) variant, to our knowledge, has not been reported in the medical literature and is absent from the general population (gnomAD v.2.1.1), indicating it is not a common variant. This variant causes a frameshift by deleting two nucleotides and inserting one, leading to a premature termination codon, which is predicted to lead to nonsense-mediated decay. Additionally, other frameshift variants in this region have been described in individuals affected with glycogen storage disease and are considered pathogenic (Wang Z et al., PMID: 38087503). Based on available information and the ACMG/AMP guidelines for variant interpretation (Richards S et al., PMID: 25741868), this variant is classified as likely pathogenic.